The following is an entry in ClinVar:

ClinVar aggregate classification (germline): Uncertain significance (1 of 4 stars; one submission).

Conditions:
Symmetrical dyschromatosis of extremities (DSH). Also called: DYSCHROMATOSIS SYMMETRICA HEREDITARIA 1; RETICULATE ACROPIGMENTATION OF DOHI; SYMMETRIC DYSCHROMATOSIS OF THE EXTREMITIES; Dyschromatosis symmetrica hereditaria. Identifiers: Orphanet 41, MedGen C0406775, MONDO:0007483, OMIM 127400.
Aicardi-Goutieres syndrome 6 (AGS6). Identifiers: Orphanet 51, MedGen C3539013, MONDO:0014007, OMIM 615010.

Allele frequency attached by ClinVar (database versions not stated): ExAC 0.00001.
gnomAD v4.1: 13 of 1,612,816 alleles (0.00081%); highest among the groups gnomAD compares: Non-Finnish European, 0.00093%; no homozygotes.

Submission:

Labcorp Genetics (formerly Invitae), Labcorp
Classification: Uncertain significance for Aicardi-Goutieres syndrome 6; Symmetrical dyschromatosis of extremities. Last evaluated: 2025-10-20. Review status: criteria provided, single submitter. Criteria: Invitae Variant Classification Sherloc (09022015). Collection method: clinical testing. Allele origin: germline.
Comment: This sequence change replaces glycine, which is neutral and non-polar, with valine, which is neutral and non-polar, at codon 107 of the ADAR protein (p.Gly107Val). The frequency data for this variant in the population databases is considered unreliable, as metrics indicate poor data quality at this position in the gnomAD database. This variant has not been reported in the literature in individuals affected with ADAR-related conditions. ClinVar contains an entry for this variant (Variation ID: 2139831). An algorithm developed to predict the effect of missense changes on protein structure and function (PolyPhen-2) suggests that this variant is likely to be tolerated. In summary, the available evidence is currently insufficient to determine the role of this variant in disease. Therefore, it has been classified as a Variant of Uncertain Significance.

NM_001111.5(ADAR):c.320G>T (p.Gly107Val)

Gene: ADAR (adenosine deaminase RNA specific; minus strand). Cytogenetic location: 1q21.3.
Variant type: single nucleotide variant.
Coding change: c.320G>T on transcript NM_001111.5 (MANE Select); coding-DNA position 320, G replaced by T.
Protein change: p.Gly107Val; replaces glycine 107 with valine.
Molecular consequence: missense variant. On other transcripts: 5 prime UTR variant (3), intron variant (3).
Genome position (GRCh38, 1-based): chr1:154,602,322, C>A on the plus strand (G>T on the coding strand, the complement: ADAR is on the minus strand). VCF-style: chr1-154602322-C-A. GRCh37 (hg19) VCF-style: chr1-154574798-C-A.
Other names: c.-566G>T (NM_001025107.3, NM_001193495.2, NM_001365048.1); c.347G>T, p.Gly116Val (NM_001365045.1); c.320G>T, p.Gly107Val (NM_015840.4, NM_015841.4); c.-493+63G>T (NM_001365046.1, NM_001365049.1, NM_001365047.1); short protein forms G107V, G116V.
Identifiers: ClinVar variation 2139831 (VCV002139831.4), dbSNP rs763106489, ClinGen allele CA1131716.